The following is an entry in ClinVar:

NM_013266.4(CTNNA3):c.2159+2T>C

Gene: CTNNA3 (catenin alpha 3; minus strand). Cytogenetic location: 10q21.3.
Variant type: single nucleotide variant.
Coding change: c.2159+2T>C on transcript NM_013266.4 (MANE Select); the canonical splice donor site of the intron after coding-DNA position 2159, T replaced by C.
Molecular consequence: splice donor variant.
Genome position (GRCh38, 1-based): chr10:66,069,306, A>G on the plus strand (T>C on the coding strand, the complement: CTNNA3 is on the minus strand). VCF-style: chr10-66069306-A-G. GRCh37 (hg19) VCF-style: chr10-67829064-A-G.
Other names: c.2159+2T>C (NM_001127384.3).
Identifiers: ClinVar variation 2583173 (VCV002583173.1), dbSNP rs2493164118, ClinGen allele CA377089439.

ClinVar aggregate classification (germline): Likely pathogenic (1 of 4 stars; one submission).

Conditions:
Arrhythmogenic right ventricular dysplasia 13. Also called: Arrhythmogenic right ventricular dysplasia, familial, 13; ARRHYTHMOGENIC RIGHT VENTRICULAR CARDIOMYOPATHY 13. Identifiers: MedGen C3810138, MONDO:0000908, OMIM 615616.

Submission:

Diagnostics Services (NGS), CSIR - Centre For Cellular And Molecular Biology
Classification: Likely pathogenic for Arrhythmogenic right ventricular dysplasia 13. Last evaluated: 2023-10-16. Review status: criteria provided, single submitter. Criteria: ACMG Guidelines, 2015. Collection method: clinical testing. Allele origin: unknown. Affected: yes. Observed: 1 variant allele, 1 heterozygote.
Comment: The c.2159+2T>C variant is not present in publicly available population databases like 1000 Genomes, EVS, ExAC, gnomAD, Indian Exome Database or our in-house exome database. This variant has neither been published in literature nor reported to the clinical databases like ClinVar, Human Genome Mutation Database (HGMD) or OMIM in any affected individuals. In-silico pathogenicity prediction programs like Human Splicing Finder 3.1 (HSF3.1), MutationTaster2, CADD, Varsome, Franklin etc predicted this variant to be likely deleterious by affecting mRNA splicing however these predictions were not confirmed by published functional/translational studies.